The following is an entry in ClinVar:

ClinVar aggregate classification (germline): Likely benign (1 of 4 stars; one submission).

Submission:

CeGaT Center for Human Genetics Tuebingen
Classification: Likely benign. Last evaluated: 2026-01-01. Review status: criteria provided, single submitter. Criteria: CeGaT Center For Human Genetics Tuebingen Variant Classification Criteria Version 2. Collection method: clinical testing. Allele origin: germline. Affected: yes. Observed: 1 variant allele.
Comment: ASCC3: BP4, BP7

NM_006828.4(ASCC3):c.1533G>A (p.Leu511=)

Gene: ASCC3 (activating signal cointegrator 1 complex subunit 3; minus strand). Cytogenetic location: 6q16.3.
Variant type: single nucleotide variant.
Coding change: c.1533G>A on transcript NM_006828.4 (MANE Select); coding-DNA position 1533, G replaced by A.
Protein change: p.Leu511=; no amino-acid change (leucine 511 retained).
Molecular consequence: synonymous variant.
Genome position (GRCh38, 1-based): chr6:100,767,208, C>T on the plus strand (G>A on the coding strand, the complement: ASCC3 is on the minus strand). VCF-style: chr6-100767208-C-T. GRCh37 (hg19) VCF-style: chr6-101215084-C-T.
Other names: c.1533G>A, p.Leu511= (NM_001284271.2).
Identifiers: ClinVar variation 4822493 (VCV004822493.4).